The following is an entry in ClinVar:

NC_000003.11:g.(?_81539558)_(81810668_?)dup

Gene: GBE1 (1,4-alpha-glucan branching enzyme 1; minus strand). Cytogenetic location: 3p12.2.
Variant type: Duplication.
Identifiers: ClinVar variation 2422492 (VCV002422492.3).

ClinVar aggregate classification (germline): Uncertain significance (1 of 4 stars; one submission).

Conditions:
Glycogen storage disease, type IV (GSD4). Also called: AMYLOPECTINOSIS; ANDERSEN DISEASE; BRANCHER DEFICIENCY; CIRRHOSIS, FAMILIAL, WITH DEPOSITION OF ABNORMAL GLYCOGEN; Glycogen storage disease due to glycogen branching enzyme deficiency; GBE1 DEFICIENCY. Identifiers: Orphanet 367, MedGen C0017923, MONDO:0009292, OMIM 232500.
Glycogen storage disease IV, classic hepatic. Also called: GSD IV, CLASSIC HEPATIC. Identifiers: MedGen C1856301.

Submission:

Labcorp Genetics (formerly Invitae), Labcorp
Classification: Uncertain significance for Glycogen storage disease, type IV; Glycogen storage disease IV, classic hepatic. Last evaluated: 2022-07-30. Review status: criteria provided, single submitter. Criteria: Invitae Variant Classification Sherloc (09022015). Collection method: clinical testing. Allele origin: germline.
Comment: A copy number gain of the genomic region encompassing the full coding sequence of the GBE1 gene has been identified. The boundaries of this event are unknown as they extend beyond the assayed region for this gene and therefore may encompass additional genes. As the precise location of this event is unknown, it may be in tandem or it may be located elsewhere in the genome. This variant has not been reported in the literature in individuals affected with GBE1-related conditions. In summary, the available evidence is currently insufficient to determine the role of this variant in disease. Therefore, it has been classified as a Variant of Uncertain Significance.